The following is an entry in ClinVar:

ClinVar aggregate classification (germline): Benign. Review status: criteria provided, multiple submitters, no conflicts (2 of 4 stars). 3 submissions from 3 submitters: Benign (2). 1 of the submissions does not count toward it. Last evaluated 2019-12-31.

Allele frequency attached by ClinVar (database versions not stated): gnomAD 0.00158 and 0.00306; ESP Exome Variant Server 0.00208; gnomAD exomes 0.00731 and 0.00467; 1000 Genomes Project 0.00958; TOPMed 0.00186; 1000 Genomes Project 30x 0.00921; ExAC 0.00946.

Submissions (3):

Labcorp Genetics (formerly Invitae), Labcorp
Classification: Benign. Last evaluated: 2019-12-31. Review status: criteria provided, single submitter. Criteria: Invitae Variant Classification Sherloc (09022015). Collection method: clinical testing. Allele origin: germline.

Breakthrough Genomics
Classification: Benign. Review status: criteria provided, single submitter. Criteria: ACMG Guidelines, 2015. Collection method: not provided. Allele origin: germline. Inheritance: Autosomal recessive inheritance. Affected: yes.

ITMI
No classification provided. Condition: AllHighlyPenetrant. Last evaluated: 2013-09-19. Review status: no classification provided. Collection method: reference population. Allele origin: germline. Not counted in ClinVar's aggregate classification.
Comment: Please see associated publication for description of ethnicities

Literature cited by the submitters: PubMed 24728327 (cited by ITMI).

NM_005631.5(SMO):c.503G>A (p.Arg168His)

Gene: SMO (smoothened, frizzled class receptor; plus strand). Cytogenetic location: 7q32.1.
Variant type: single nucleotide variant.
Coding change: c.503G>A on transcript NM_005631.5 (MANE Select); coding-DNA position 503, G replaced by A.
Protein change: p.Arg168His; replaces arginine 168 with histidine.
Molecular consequence: missense variant.
Genome position (GRCh38, 1-based): chr7:129,203,555, G>A. VCF-style: chr7-129203555-G-A. GRCh37 (hg19) VCF-style: chr7-128843396-G-A.
Other names: c.503G>A, p.Arg168His (LRG_1393t1); short protein forms R168H.
Identifiers: ClinVar variation 135266 (VCV000135266.6), dbSNP rs61746143, ClinGen allele CA162178.